The following is an entry in ClinVar:

ClinVar aggregate classification (germline): Uncertain significance. Review status: criteria provided, multiple submitters, no conflicts (2 of 4 stars). 3 submissions from 3 submitters: Uncertain significance (3). Last evaluated 2025-09-05.

Conditions:
Cone-rod dystrophy 6 (CORD6). Also called: Cone dystrophy progressive; RETINAL CONE DYSTROPHY 2. Identifiers: Orphanet 1872, MedGen C1866293, MONDO:0011143, OMIM 601777.
Leber congenital amaurosis 1 (LCA1). Also called: AMAUROSIS CONGENITA OF LEBER I; RETINAL BLINDNESS, CONGENITAL; Congenital absence of the rods and cones; Leber's congenital tapetoretinal degeneration; Leber's congenital tapetoretinal dysplasia. Identifiers: Orphanet 65, MedGen C2931258, MONDO:0008764, OMIM 204000.
Inborn genetic diseases. Identifiers: MedGen C0950123, MeSH D030342.

Allele frequency attached by ClinVar (database versions not stated): ExAC 0.00002; gnomAD 0.00002; gnomAD exomes 0.00002 and 0.00003; TOPMed 0.00002.
gnomAD v4.1: 53 of 1,613,890 alleles (0.0033%); highest among the groups gnomAD compares: Non-Finnish European, 0.0044%; no homozygotes.

Submissions (3):

Labcorp Genetics (formerly Invitae), Labcorp
Classification: Uncertain significance for Leber congenital amaurosis 1; Cone-rod dystrophy 6. Last evaluated: 2025-09-05. Review status: criteria provided, single submitter. Criteria: Invitae Variant Classification Sherloc (09022015). Collection method: clinical testing. Allele origin: germline.
Comment: This sequence change replaces aspartic acid, which is acidic and polar, with glutamic acid, which is acidic and polar, at codon 629 of the GUCY2D protein (p.Asp629Glu). This variant is present in population databases (rs770016889, gnomAD 0.005%). This variant has not been reported in the literature in individuals affected with GUCY2D-related conditions. ClinVar contains an entry for this variant (Variation ID: 999064). Invitae Evidence Modeling of protein sequence and biophysical properties (such as structural, functional, and spatial information, amino acid conservation, physicochemical variation, residue mobility, and thermodynamic stability) has been performed for this missense variant. However, the output from this modeling did not meet the statistical confidence thresholds required to predict the impact of this variant on GUCY2D protein function. In summary, the available evidence is currently insufficient to determine the role of this variant in disease. Therefore, it has been classified as a Variant of Uncertain Significance.

Ambry Genetics
Classification: Uncertain significance for Inborn genetic diseases. Last evaluated: 2024-06-02. Review status: criteria provided, single submitter. Criteria: Ambry Variant Classification Scheme 2023. Collection method: clinical testing. Allele origin: germline.

Blueprint Genetics
Classification: Uncertain significance. Last evaluated: 2022-10-31. Review status: criteria provided, single submitter. Criteria: ACMG Guidelines, 2015. Collection method: clinical testing. Allele origin: germline.

NM_000180.4(GUCY2D):c.1887C>A (p.Asp629Glu)

Gene: GUCY2D (guanylate cyclase 2D, retinal; plus strand). Cytogenetic location: 17p13.1.
Variant type: single nucleotide variant.
Coding change: c.1887C>A on transcript NM_000180.4 (MANE Select); coding-DNA position 1887, C replaced by A.
Protein change: p.Asp629Glu; replaces aspartic acid 629 with glutamic acid.
Molecular consequence: missense variant.
Genome position (GRCh38, 1-based): chr17:8,012,281, C>A. VCF-style: chr17-8012281-C-A. GRCh37 (hg19) VCF-style: chr17-7915599-C-A.
Other names: c.1887C>A (NM_000180.3); short protein forms D629E.
Identifiers: ClinVar variation 999064 (VCV000999064.9), dbSNP rs770016889, ClinGen allele CA8365928.